The following is an entry in ClinVar:

NM_002900.3(RBP3):c.716C>T (p.Ala239Val)

Gene: RBP3 (retinol binding protein 3; plus strand). Cytogenetic location: 10q11.22.
Variant type: single nucleotide variant.
Coding change: c.716C>T on transcript NM_002900.3 (MANE Select); coding-DNA position 716, C replaced by T.
Protein change: p.Ala239Val; replaces alanine 239 with valine.
Molecular consequence: missense variant.
Genome position (GRCh38, 1-based): chr10:47,349,200, C>T. VCF-style: chr10-47349200-C-T. GRCh37 (hg19) VCF-style: chr10-48390162-G-A.
Other names: short protein forms A239V.
Identifiers: ClinVar variation 3345160 (VCV003345160.1).

ClinVar aggregate classification (germline): Uncertain significance (0 of 4 stars; one submission).

Conditions:
RBP3-related disorder. Also called: RBP3-related condition.

Submission:

PreventionGenetics, part of Exact Sciences
Classification: Uncertain significance for RBP3-related condition. Last evaluated: 2024-07-18. Review status: no assertion criteria provided. Collection method: clinical testing. Allele origin: germline.
Comment: The RBP3 c.716C>T variant is predicted to result in the amino acid substitution p.Ala239Val. To our knowledge, this variant has not been reported in the literature or in a large population database, indicating this variant is rare. At this time, the clinical significance of this variant is uncertain due to the absence of conclusive functional and genetic evidence.